The following is an entry in ClinVar:

ClinVar aggregate classification (germline): Uncertain significance (1 of 4 stars; one submission).

Conditions:
Charcot-Marie-Tooth disease type 4. Also called: Charcot-Marie-Tooth disease, type IV; Charcot-Marie-Tooth, Type 4. Identifiers: Orphanet 64749, MedGen C4082197, MONDO:0018995.

Submission:

Labcorp Genetics (formerly Invitae), Labcorp
Classification: Uncertain significance for Charcot-Marie-Tooth disease type 4. Last evaluated: 2024-10-28. Review status: criteria provided, single submitter. Criteria: Invitae Variant Classification Sherloc (09022015). Collection method: clinical testing. Allele origin: germline.
Comment: This sequence change replaces arginine, which is basic and polar, with glycine, which is neutral and non-polar, at codon 23 of the FIG4 protein (p.Arg23Gly). This variant is not present in population databases (gnomAD no frequency). This variant has not been reported in the literature in individuals affected with FIG4-related conditions. ClinVar contains an entry for this variant (Variation ID: 1383692). An algorithm developed to predict the effect of missense changes on protein structure and function (PolyPhen-2) suggests that this variant is likely to be disruptive. In summary, the available evidence is currently insufficient to determine the role of this variant in disease. Therefore, it has been classified as a Variant of Uncertain Significance.

NM_014845.6(FIG4):c.67A>G (p.Arg23Gly)

Gene: FIG4 (FIG4 phosphoinositide 5-phosphatase; plus strand). Cytogenetic location: 6q21.
Variant type: single nucleotide variant.
Coding change: c.67A>G on transcript NM_014845.6 (MANE Select); coding-DNA position 67, A replaced by G.
Protein change: p.Arg23Gly; replaces arginine 23 with glycine.
Molecular consequence: missense variant.
Genome position (GRCh38, 1-based): chr6:109,715,078, A>G. VCF-style: chr6-109715078-A-G. GRCh37 (hg19) VCF-style: chr6-110036281-A-G.
Other names: short protein forms R23G.
Identifiers: ClinVar variation 1383692 (VCV001383692.6), dbSNP rs1775386814, ClinGen allele CA365211016.